The following is an entry in ClinVar:

NM_006361.6(HOXB13):c.397T>C (p.Tyr133His)

Gene: HOXB13 (homeobox B13; minus strand). Cytogenetic location: 17q21.32.
Variant type: single nucleotide variant.
Coding change: c.397T>C on transcript NM_006361.6 (MANE Select); coding-DNA position 397, T replaced by C.
Protein change: p.Tyr133His; replaces tyrosine 133 with histidine.
Molecular consequence: missense variant.
Genome position (GRCh38, 1-based): chr17:48,728,197, A>G on the plus strand (T>C on the coding strand, the complement: HOXB13 is on the minus strand). VCF-style: chr17-48728197-A-G. GRCh37 (hg19) VCF-style: chr17-46805559-A-G.
Other names: short protein forms Y133H.
Identifiers: ClinVar variation 824455 (VCV000824455.12), dbSNP rs1597934283, ClinGen allele CA400107542.

ClinVar aggregate classification (germline): Uncertain significance. Review status: criteria provided, multiple submitters, no conflicts (2 of 4 stars). 2 submissions from 2 submitters: Uncertain significance (2). Last evaluated 2025-03-21.

Conditions:
Hereditary cancer-predisposing syndrome. Also called: Neoplastic Syndromes, Hereditary; Tumor predisposition; Hereditary neoplastic syndrome; Hereditary Cancer Syndrome. Identifiers: Orphanet 140162, MedGen C0027672, MeSH D009386, MONDO:0015356.

Allele frequency attached by ClinVar (database versions not stated): TOPMed below 0.00001; gnomAD 0.00001.

Submissions (2):

Labcorp Genetics (formerly Invitae), Labcorp
Classification: Uncertain significance. Last evaluated: 2025-03-21. Review status: criteria provided, single submitter. Criteria: Invitae Variant Classification Sherloc (09022015). Collection method: clinical testing. Allele origin: germline.
Comment: This sequence change replaces tyrosine, which is neutral and polar, with histidine, which is basic and polar, at codon 133 of the HOXB13 protein (p.Tyr133His). This variant is not present in population databases (gnomAD no frequency). This variant has not been reported in the literature in individuals affected with HOXB13-related conditions. ClinVar contains an entry for this variant (Variation ID: 824455). Invitae Evidence Modeling of protein sequence and biophysical properties (such as structural, functional, and spatial information, amino acid conservation, physicochemical variation, residue mobility, and thermodynamic stability) indicates that this missense variant is not expected to disrupt HOXB13 protein function with a negative predictive value of 80%. In summary, the available evidence is currently insufficient to determine the role of this variant in disease. Therefore, it has been classified as a Variant of Uncertain Significance.

Ambry Genetics
Classification: Uncertain significance for Hereditary cancer-predisposing syndrome. Last evaluated: 2023-02-19. Review status: criteria provided, single submitter. Criteria: Ambry Variant Classification Scheme 2023. Collection method: clinical testing. Allele origin: germline.
Comment: The p.Y133H variant (also known as c.397T>C), located in coding exon 1 of the HOXB13 gene, results from a T to C substitution at nucleotide position 397. The tyrosine at codon 133 is replaced by histidine, an amino acid with similar properties. This amino acid position is highly conserved in available vertebrate species. In addition, this alteration is predicted to be deleterious by in silico analysis. Since supporting evidence is limited at this time, the clinical significance of this alteration remains unclear.